The following is an entry in ClinVar:

ClinVar aggregate classification (germline): Uncertain significance (1 of 4 stars; one submission).

gnomAD v4.1: 1 of 1,613,260 alleles (0.000062%); highest among the groups gnomAD compares: Admixed American, 0.0017%; no homozygotes.

Submission:

GeneDx
Classification: Uncertain significance. Last evaluated: 2025-04-29. Review status: criteria provided, single submitter. Criteria: GeneDx Variant Classification Process June 2021. Collection method: clinical testing. Allele origin: germline. Affected: yes.
Comment: Not observed at significant frequency in large population cohorts (gnomAD); In silico analysis indicates that this missense variant does not alter protein structure/function; Has not been previously published as pathogenic or benign to our knowledge

NM_001363118.2(SLC52A2):c.1180A>G (p.Ser394Gly)

Gene: SLC52A2 (solute carrier family 52 member 2; plus strand). Cytogenetic location: 8q24.3.
Variant type: single nucleotide variant.
Coding change: c.1180A>G on transcript NM_001363118.2 (MANE Select); coding-DNA position 1180, A replaced by G.
Protein change: p.Ser394Gly; replaces serine 394 with glycine.
Molecular consequence: missense variant. On other transcripts: non-coding transcript variant (1).
Genome position (GRCh38, 1-based): chr8:144,360,857, A>G. VCF-style: chr8-144360857-A-G. GRCh37 (hg19) VCF-style: chr8-145584517-A-G.
Other names: c.1180A>G, p.Ser394Gly (NM_024531.5, NM_001253815.2, NM_001253816.2 and 5 more transcripts); c.688A>G, p.Ser230Gly (NM_001363122.2, NM_001438089.1, NM_001438494.1 and 2 more transcripts); c.916A>G, p.Ser306Gly (NM_001410949.1); short protein forms S230G, S306G, S394G.
Identifiers: ClinVar variation 4527731 (VCV004527731.1).